The following is an entry in ClinVar:

ClinVar aggregate classification (germline): Likely benign (0 of 4 stars; one submission).

Conditions:
PGM1-related disorder. Also called: PGM1-related disorders; PGM1-related condition.

Allele frequency attached by ClinVar (database versions not stated): gnomAD 0.00011; 1000 Genomes Project 30x 0.00016; 1000 Genomes Project 0.00020; TOPMed 0.00036.
gnomAD v4.1: 19 of 152,090 alleles (0.012%); highest among the groups gnomAD compares: Admixed American, 0.092%; no homozygotes.

Submission:

PreventionGenetics, part of Exact Sciences
Classification: Likely benign for PGM1-related condition. Last evaluated: 2019-05-09. Review status: no assertion criteria provided. Collection method: clinical testing. Allele origin: germline.
Comment: This variant is classified as likely benign based on ACMG/AMP sequence variant interpretation guidelines (Richards et al. 2015 PMID: 25741868, with internal and published modifications).

NM_002633.3(PGM1):c.1600-505T>C

Gene: PGM1 (phosphoglucomutase 1; plus strand). Cytogenetic location: 1p31.3.
Variant type: single nucleotide variant.
Coding change: c.1600-505T>C on transcript NM_002633.3 (MANE Select); 505 bases into the intron before coding-DNA position 1600, T replaced by C.
Molecular consequence: intron variant.
Genome position (GRCh38, 1-based): chr1:63,659,081, T>C. VCF-style: chr1-63659081-T-C. GRCh37 (hg19) VCF-style: chr1-64124752-T-C.
Other names: c.1009-505T>C (NM_001172819.2); c.1654-505T>C (NM_001172818.1).
Identifiers: ClinVar variation 3042275 (VCV003042275.2), dbSNP rs540546735, ClinGen allele CA23842810.